The following is an entry in ClinVar:

ClinVar aggregate classification (germline): Uncertain significance. Review status: criteria provided, multiple submitters, no conflicts (2 of 4 stars). 7 submissions from 7 submitters: Uncertain significance (7). Last evaluated 2025-08-14.

Conditions:
Primary ciliary dyskinesia. Also called: Ciliary dyskinesia. Identifiers: Orphanet 244, MedGen C0008780, MONDO:0016575, HP:0012265.
Primary ciliary dyskinesia 7. Also called: CILIARY DYSKINESIA, PRIMARY, 7, WITH OR WITHOUT SITUS INVERSUS. Identifiers: Orphanet 244, MedGen C2678473, MONDO:0012748, OMIM 611884.

Allele frequency attached by ClinVar (database versions not stated): 1000 Genomes Project 30x 0.00016; TOPMed 0.00019; 1000 Genomes Project 0.00020; gnomAD exomes 0.00020; gnomAD 0.00021; ExAC 0.00050; ESP Exome Variant Server 0.00076.
gnomAD v4.1: 287 of 1,586,290 alleles (0.018%); highest among the groups gnomAD compares: Middle Eastern, 0.42%; 1 homozygote.

Submissions (7):

Ambry Genetics
Classification: Uncertain significance for Primary ciliary dyskinesia. Last evaluated: 2025-08-14. Review status: criteria provided, single submitter. Criteria: Ambry Variant Classification Scheme 2023. Collection method: clinical testing. Allele origin: germline.

Broad Center for Mendelian Genomics, Broad Institute of MIT and Harvard
Classification: Uncertain significance for Primary ciliary dyskinesia 7. Last evaluated: 2025-02-12. Review status: criteria provided, single submitter. Criteria: ACMG Guidelines, 2015. Collection method: curation. Allele origin: germline. Inheritance: Autosomal recessive inheritance.
Comment: The p.Cys1592Phe variant in DNAH11 has been reported in 2 individuals with primary ciliary dyskinesia (PMID: 35886035, 26909801), and has been identified in 0.02% (21/86368) of South Asian chromosomes by the Genome Aggregation Database (gnomAD; dbSNP rs72657327). Although this variant has been seen in the general population in a heterozygous state, its frequency is not high enough to rule out a pathogenic role. This variant has also been reported in ClinVar (Variation ID: 410860) and has been interpreted as a variant of uncertain significance by Fulgent Genetics, Illumina, Ambry Genetics, Invitae, and PerkinElmer Genomics. Computational prediction tools, including splice predictors and conservation analyses, suggest that this variant may not impact the protein, though this information is not predictive enough to rule out pathogenicity. In summary, the clinical significance of the p.Cys1592Phe variant is uncertain. ACMG/AMP Criteria applied: BP4 (Richards 2015).

Labcorp Genetics (formerly Invitae), Labcorp
Classification: Uncertain significance for Primary ciliary dyskinesia. Last evaluated: 2024-10-15. Review status: criteria provided, single submitter. Criteria: Invitae Variant Classification Sherloc (09022015). Collection method: clinical testing. Allele origin: germline.
Comment: This sequence change replaces cysteine, which is neutral and slightly polar, with phenylalanine, which is neutral and non-polar, at codon 1592 of the DNAH11 protein (p.Cys1592Phe). This variant is present in population databases (rs72657327, gnomAD 0.03%). This missense change has been observed in individual(s) with primary ciliary dyskinesia (PMID: 2690980; internal data). It has also been observed to segregate with disease in related individuals. ClinVar contains an entry for this variant (Variation ID: 410860). Invitae Evidence Modeling of protein sequence and biophysical properties (such as structural, functional, and spatial information, amino acid conservation, physicochemical variation, residue mobility, and thermodynamic stability) indicates that this missense variant is not expected to disrupt DNAH11 protein function with a negative predictive value of 95%. In summary, the available evidence is currently insufficient to determine the role of this variant in disease. Therefore, it has been classified as a Variant of Uncertain Significance.

Blueprint Genetics
Classification: Uncertain significance. Last evaluated: 2024-07-02. Review status: criteria provided, single submitter. Criteria: ACMG Guidelines, 2015. Collection method: clinical testing. Allele origin: germline.

Revvity Omics, Revvity
Classification: Uncertain significance for Primary ciliary dyskinesia 7. Last evaluated: 2022-07-19. Review status: criteria provided, single submitter. Criteria: ACMG Guidelines, 2015. Collection method: clinical testing. Allele origin: germline.

Fulgent Genetics
Classification: Uncertain significance for Primary ciliary dyskinesia 7. Last evaluated: 2018-10-31. Review status: criteria provided, single submitter. Criteria: ACMG Guidelines, 2015. Collection method: clinical testing. Allele origin: unknown.

Illumina Laboratory Services, Illumina
Classification: Uncertain significance for Primary ciliary dyskinesia 7. Last evaluated: 2018-01-13. Review status: criteria provided, single submitter. Criteria: ICSL Variant Classification Criteria 13 December 2019. Collection method: clinical testing. Allele origin: germline.

Literature cited by the submitters: PubMed 2690980 (cited by Labcorp Genetics (formerly Invitae), Labcorp).

NM_001277115.2(DNAH11):c.4775G>T (p.Cys1592Phe)

Gene: DNAH11 (dynein axonemal heavy chain 11; plus strand). Cytogenetic location: 7p15.3.
Variant type: single nucleotide variant.
Coding change: c.4775G>T on transcript NM_001277115.2 (MANE Select); coding-DNA position 4775, G replaced by T.
Protein change: p.Cys1592Phe; replaces cysteine 1592 with phenylalanine.
Molecular consequence: missense variant.
Genome position (GRCh38, 1-based): chr7:21,637,660, G>T. VCF-style: chr7-21637660-G-T. GRCh37 (hg19) VCF-style: chr7-21677278-G-T.
Other names: NM_001277115.2(DNAH11):c.4775G>T; p.Cys1592Phe; short protein forms C1592F.
Identifiers: ClinVar variation 410860 (VCV000410860.21), dbSNP rs72657327, ClinGen allele CA4180156.